The following is an entry in ClinVar:

ClinVar aggregate classification (germline): Uncertain significance (1 of 4 stars; one submission).

Conditions:
Catecholaminergic polymorphic ventricular tachycardia 1. Also called: VENTRICULAR TACHYCARDIA, CATECHOLAMINERGIC POLYMORPHIC, 1, WITH OR WITHOUT ATRIAL DYSFUNCTION AND/OR DILATED CARDIOMYOPATHY; RYR2-Related Catecholaminergic Polymorphic Ventricular Tachycardia; VENTRICULAR TACHYCARDIA, STRESS-INDUCED POLYMORPHIC 1. Identifiers: Orphanet 3286, MedGen C1631597, MONDO:0011484, OMIM 604772.

Submission:

Labcorp Genetics (formerly Invitae), Labcorp
Classification: Uncertain significance for Catecholaminergic polymorphic ventricular tachycardia 1. Last evaluated: 2022-02-21. Review status: criteria provided, single submitter. Criteria: Invitae Variant Classification Sherloc (09022015). Collection method: clinical testing. Allele origin: germline.
Comment: In summary, the available evidence is currently insufficient to determine the role of this variant in disease. Therefore, it has been classified as a Variant of Uncertain Significance. Advanced modeling of protein sequence and biophysical properties (such as structural, functional, and spatial information, amino acid conservation, physicochemical variation, residue mobility, and thermodynamic stability) performed at Invitae indicates that this missense variant is expected to disrupt RYR2 protein function. This variant has not been reported in the literature in individuals affected with RYR2-related conditions. This variant is not present in population databases (gnomAD no frequency). This sequence change replaces leucine, which is neutral and non-polar, with valine, which is neutral and non-polar, at codon 3362 of the RYR2 protein (p.Leu3362Val).

NM_001035.3(RYR2):c.10084C>G (p.Leu3362Val)

Gene: RYR2 (ryanodine receptor 2; plus strand). Cytogenetic location: 1q43.
Variant type: single nucleotide variant.
Coding change: c.10084C>G on transcript NM_001035.3 (MANE Select); coding-DNA position 10084, C replaced by G.
Protein change: p.Leu3362Val; replaces leucine 3362 with valine.
Molecular consequence: missense variant.
Genome position (GRCh38, 1-based): chr1:237,709,040, C>G. VCF-style: chr1-237709040-C-G. GRCh37 (hg19) VCF-style: chr1-237872340-C-G.
Other names: short protein forms L3362V.
Identifiers: ClinVar variation 1990752 (VCV001990752.4), dbSNP rs1239985464, ClinGen allele CA345411047.
Genomic context (GRCh38, chr1:237,709,040, plus strand): 5'-GCTGAGGCCAGGGGGGACATGTCGGAGGCAGAACTCCTCATCCTAGATGAGTTCACCACA[C>G]TGGCCAGAGATCTCTATGCCTTCTACCCTCTCTTGATTAGATTTGTGGACTATAACAGGT-3'
Protein context (NP_001026.2, residues 3352-3372): ELLILDEFTT[Leu3362Val]ARDLYAFYPL